The following is an entry in ClinVar:

ClinVar aggregate classification (germline): Likely benign. Review status: criteria provided, multiple submitters, no conflicts (2 of 4 stars). 6 submissions from 6 submitters: Likely benign (3). 3 of the submissions do not count toward it. Last evaluated 2025-12-22.

Conditions:
Osteoporosis. Identifiers: MedGen C0029456, MONDO:0005298, OMIM 166710, HP:0000939.
Bone mineral density quantitative trait locus 1 (BMND1). Identifiers: MedGen C1866079, OMIM 601884.
Exudative vitreoretinopathy 4 (EVR4). Identifiers: Orphanet 891, MedGen C1866176, MONDO:0011151, OMIM 601813.
Worth disease. Also called: OSTEOSCLEROSIS, AUTOSOMAL DOMINANT; Autosomal dominant osteosclerosis, Worth type; ENDOSTEAL HYPEROSTOSIS, AUTOSOMAL DOMINANT. Identifiers: Orphanet 2790, MedGen C0432273, MONDO:0007764, OMIM 144750.
Autosomal dominant osteopetrosis 1 (OPTA1). Also called: OSTEOPETROSIS, AUTOSOMAL DOMINANT, TYPE I. Identifiers: Orphanet 2783, MedGen C1843330, MONDO:0011877, OMIM 607634.
Polycystic liver disease 4 with or without kidney cysts. Identifiers: MedGen C4693479, MONDO:0044327, OMIM 617875.
Exudative vitreoretinopathy 1 (EVR1). Also called: FEVR, AUTOSOMAL DOMINANT; Familial exudative vitreoretinopathy, autosomal dominant; CRISWICK-SCHEPENS SYNDROME. Identifiers: Orphanet 891, Orphanet 90050, MedGen C1851402, MONDO:0007589, OMIM 133780.
Osteoporosis with pseudoglioma (OPPG). Also called: osteoporosis-pseudoglioma syndrome. Identifiers: Orphanet 2788, MedGen C0432252, MONDO:0009820, OMIM 259770.
LRP5-related disorder. Also called: LRP5-related condition.

Allele frequency attached by ClinVar (database versions not stated): gnomAD 0.00017; gnomAD exomes 0.00018 and 0.00022; ExAC 0.00019; TOPMed 0.00020; ESP Exome Variant Server 0.00023.
gnomAD v4.1: 348 of 1,613,774 alleles (0.022%); highest among the groups gnomAD compares: Middle Eastern, 0.099%; 1 homozygote.

Submissions (6):

Labcorp Genetics (formerly Invitae), Labcorp
Classification: Likely benign. Last evaluated: 2025-12-22. Review status: criteria provided, single submitter. Criteria: Invitae Variant Classification Sherloc (09022015). Collection method: clinical testing. Allele origin: germline.

Blueprint Genetics
Classification: Likely benign. Last evaluated: 2024-11-04. Review status: criteria provided, single submitter. Criteria: ACMG Guidelines, 2015. Collection method: clinical testing. Allele origin: germline.

Fulgent Genetics
Classification: Likely benign for Exudative vitreoretinopathy 1; Worth disease; Osteoporosis; Osteoporosis with pseudoglioma; Exudative vitreoretinopathy 4; Bone mineral density quantitative trait locus 1; Autosomal dominant osteopetrosis 1; Polycystic liver disease 4 with or without kidney cysts. Last evaluated: 2021-12-15. Review status: criteria provided, single submitter. Criteria: ACMG Guidelines, 2015. Collection method: clinical testing. Allele origin: unknown.

PreventionGenetics, part of Exact Sciences
Classification: Likely benign for LRP5-related condition. Last evaluated: 2022-10-18. Review status: no assertion criteria provided. Collection method: clinical testing. Allele origin: germline. Not counted in ClinVar's aggregate classification.
Comment: This variant is classified as likely benign based on ACMG/AMP sequence variant interpretation guidelines (Richards et al. 2015 PMID: 25741868, with internal and published modifications).

Clinical Genetics DNA and cytogenetics Diagnostics Lab, Erasmus MC, Erasmus Medical Center
Classification: Likely benign. Review status: no assertion criteria provided. Collection method: clinical testing. Allele origin: germline. Affected: yes. Study: VKGL Data-share Consensus. Not counted in ClinVar's aggregate classification.

Clinical Genetics, Academic Medical Center
Classification: Benign. Review status: no assertion criteria provided. Collection method: clinical testing. Allele origin: germline. Affected: yes. Study: VKGL Data-share Consensus. Not counted in ClinVar's aggregate classification.

NM_002335.4(LRP5):c.2115C>T (p.Asn705=)

Gene: LRP5 (LDL receptor related protein 5; plus strand). Cytogenetic location: 11q13.2.
Variant type: single nucleotide variant.
Coding change: c.2115C>T on transcript NM_002335.4 (MANE Select); coding-DNA position 2115, C replaced by T.
Protein change: p.Asn705=; no amino-acid change (asparagine 705 retained).
Molecular consequence: synonymous variant.
Genome position (GRCh38, 1-based): chr11:68,409,937, C>T. VCF-style: chr11-68409937-C-T. GRCh37 (hg19) VCF-style: chr11-68177405-C-T.
Other names: c.2115C>T (NM_002335.3); c.372C>T, p.Asn124= (NM_001291902.2).
Identifiers: ClinVar variation 1161961 (VCV001161961.15), dbSNP rs145456776, ClinGen allele CA6149543.
Genomic context (GRCh38, chr11:68,409,937, plus strand): 5'-CTAAAATGTGGCCCTTTTCCTCCTCACCTGCTGCCAGACCATCAGCCGCGCCTTCATGAA[C>T]GGGAGCTCGGTGGAGCACGTGGTGGAGTTTGGCCTTGACTACCCCGAGGGCATGGCCGTT-3'
Protein context (NP_002326.2, residues 695-715): SLKTISRAFM[Asn705=]GSSVEHVVEF